The following is an entry in ClinVar:

NM_152424.4(AMER1):c.141C>G (p.Ser47=)

Gene: AMER1 (APC membrane recruitment protein 1; minus strand). Cytogenetic location: Xq11.2.
Variant type: single nucleotide variant.
Coding change: c.141C>G on transcript NM_152424.4 (MANE Select); coding-DNA position 141, C replaced by G.
Protein change: p.Ser47=; no amino-acid change (serine 47 retained).
Molecular consequence: synonymous variant.
Genome position (GRCh38, 1-based): chrX:64,193,146, G>C on the plus strand (C>G on the coding strand, the complement: AMER1 is on the minus strand). VCF-style: chrX-64193146-G-C. GRCh37 (hg19) VCF-style: chrX-63413026-G-C.
Identifiers: ClinVar variation 3339978 (VCV003339978.1).

ClinVar aggregate classification (germline): Likely benign (1 of 4 stars; one submission).

gnomAD v4.1: 43 of 1,210,236 alleles (0.0036%); highest among the groups gnomAD compares: Non-Finnish European, 0.0047%; no homozygotes.

Submission:

Women's Health and Genetics/Laboratory Corporation of America, LabCorp
Classification: Likely benign. Last evaluated: 2024-06-19. Review status: criteria provided, single submitter. Criteria: LabCorp Variant Classification Summary - May 2015. Collection method: clinical testing. Allele origin: germline.
Comment: Variant summary: AMER1 c.141C>G alters a non-conserved nucleotide resulting in a synonymous change. Consensus agreement among computation tools predict no significant impact on normal splicing. However, these predictions have yet to be confirmed by functional studies. The variant allele was found at a frequency of 3.6e-05 in 1205176 control chromosomes in the gnomAD database (v4.1 dataset), including 13 hemizygotes. To our knowledge, no occurrence of c.141C>G in individuals affected with Osteopathia Striata With Cranial Sclerosis and no experimental evidence demonstrating its impact on protein function have been reported. No submitters have cited clinical-significance assessments for this variant to ClinVar. Based on the evidence outlined above, the variant was classified as likely benign.